The following is an entry in ClinVar:

ClinVar aggregate classification (germline): Pathogenic (1 of 4 stars; one submission).

Conditions:
Saldino-Mainzer syndrome (SRTD9). Also called: CONORENAL SYNDROME; Renal dysplasia, retinal pigmentary dystrophy, cerebellar ataxia and skeletal dysplasia; SHORT-RIB THORACIC DYSPLASIA 9 WITHOUT POLYDACTYLY; short-rib thoracic dysplasia 9 with or without polydactyly. Identifiers: Orphanet 140969, MedGen C1849437, MONDO:0009964, OMIM 266920.

Submission:

Labcorp Genetics (formerly Invitae), Labcorp
Classification: Pathogenic for Saldino-Mainzer syndrome. Last evaluated: 2025-07-30. Review status: criteria provided, single submitter. Criteria: Invitae Variant Classification Sherloc (09022015). Collection method: clinical testing. Allele origin: germline.
Comment: This sequence change creates a premature translational stop signal (p.Tyr46*) in the IFT140 gene. It is expected to result in an absent or disrupted protein product. Loss-of-function variants in IFT140 are known to be pathogenic (PMID: 22503633, 23418020, 24009529, 26216056). This variant is present in population databases (rs767552775, gnomAD 0.0009%). This variant has not been reported in the literature in individuals affected with IFT140-related conditions. For these reasons, this variant has been classified as Pathogenic.

Literature cited by the submitters: PubMed 22503633; PubMed 23418020; PubMed 24009529; PubMed 26216056.

NM_014714.4(IFT140):c.138C>G (p.Tyr46Ter)

Genes: IFT140 (intraflagellar transport 140; minus strand), LOC105371046 (uncharacterized LOC105371046; plus strand). Cytogenetic location: 16p13.3.
Variant type: single nucleotide variant.
Coding change: c.138C>G on transcript NM_014714.4 (MANE Select); coding-DNA position 138, C replaced by G.
Protein change: p.Tyr46Ter; replaces tyrosine 46 with a stop codon.
Molecular consequence: nonsense.
Genome position (GRCh38, 1-based): chr16:1,607,129, G>C on the plus strand (C>G on the coding strand, the complement: IFT140 is on the minus strand). VCF-style: chr16-1607129-G-C. GRCh37 (hg19) VCF-style: chr16-1657130-G-C.
Other names: short protein forms Y46*.
Identifiers: ClinVar variation 4710805 (VCV004710805.1).